The following is an entry in ClinVar:

NM_000256.3(MYBPC3):c.1522C>T (p.Gln508Ter)

Gene: MYBPC3 (myosin binding protein C3; minus strand). Cytogenetic location: 11p11.2.
Variant type: single nucleotide variant.
Coding change: c.1522C>T on transcript NM_000256.3 (MANE Select); coding-DNA position 1522, C replaced by T.
Protein change: p.Gln508Ter; replaces glutamine 508 with a stop codon.
Molecular consequence: nonsense.
Genome position (GRCh38, 1-based): chr11:47,342,680, G>A on the plus strand (C>T on the coding strand, the complement: MYBPC3 is on the minus strand). VCF-style: chr11-47342680-G-A. GRCh37 (hg19) VCF-style: chr11-47364231-G-A.
Other names: p.Q508*:CAG>TAG; c.1522C>T, p.Gln508Ter (LRG_386t1); short protein forms Q508*.
Identifiers: ClinVar variation 180941 (VCV000180941.19), dbSNP rs730880544, ClinGen allele CA010566.

ClinVar aggregate classification (germline): Pathogenic/Likely pathogenic. Review status: criteria provided, multiple submitters, no conflicts (2 of 4 stars). 5 submissions from 5 submitters: Pathogenic (3); Likely pathogenic (2). Last evaluated 2026-09-11.

Conditions:
MYBPC3-related disorder. Also called: MYBPC3-related disorders; MYBPC3-related condition; MYBPC3-related disease.
Hypertrophic cardiomyopathy 4. Also called: Familial hypertrophic cardiomyopathy 4. Identifiers: MedGen C1861862, MONDO:0007268, OMIM 115197.
Hypertrophic cardiomyopathy. Also called: HYPERTROPHIC MYOCARDIOPATHY. Identifiers: Orphanet 217569, MedGen C0007194, MeSH D002312, MONDO:0005045, HP:0001639.

Submissions (5):

GeneDx
Classification: Pathogenic. Last evaluated: 2026-09-11. Review status: criteria provided, single submitter. Criteria: GeneDx Variant Classification Process June 2021. Collection method: clinical testing. Allele origin: germline.
Comment: Identified in patients with MYBPC3-related cardiomyopathy referred for genetic testing at GeneDx and in the published literature (PMID: 36166435); Nonsense variant predicted to result in protein truncation or nonsense mediated decay in a gene for which loss of function is a known mechanism of disease; Not observed at significant frequency in large population cohorts (gnomAD); This variant is associated with the following publications: (PMID: 37271167, Cheng2026[Abstract], 36166435)

Greenwood Genetic Center Diagnostic Laboratories, Greenwood Genetic Center
Classification: Pathogenic for MYBPC3-related disorder. Last evaluated: 2025-11-11. Review status: criteria provided, single submitter. Criteria: ACMG Guidelines, 2015. Collection method: clinical testing. Allele origin: germline. Affected: yes.
Comment: PVS1, PS4_Supporting, PM2

Labcorp Genetics (formerly Invitae), Labcorp
Classification: Pathogenic for Hypertrophic cardiomyopathy. Last evaluated: 2024-11-28. Review status: criteria provided, single submitter. Criteria: Invitae Variant Classification Sherloc (09022015). Collection method: clinical testing. Allele origin: germline.
Comment: This sequence change creates a premature translational stop signal (p.Gln508*) in the MYBPC3 gene. It is expected to result in an absent or disrupted protein product. Loss-of-function variants in MYBPC3 are known to be pathogenic (PMID: 19574547). This variant is not present in population databases (gnomAD no frequency). This variant has not been reported in the literature in individuals affected with MYBPC3-related conditions. ClinVar contains an entry for this variant (Variation ID: 180941). For these reasons, this variant has been classified as Pathogenic.

Stanford Center for Inherited Cardiovascular Disease, Stanford University
Classification: Likely pathogenic. Last evaluated: 2012-12-12. Review status: criteria provided, single submitter. Criteria: ACMG Guidelines, 2015. Collection method: provider interpretation. Allele origin: germline.

Juno Genomics, Hangzhou Juno Genomics, Inc
Classification: Likely pathogenic for Hypertrophic cardiomyopathy 4. Review status: criteria provided, single submitter. Criteria: ACMG Guidelines, 2015. Collection method: clinical testing. Allele origin: germline.
Comment: Null variant in a gene where loss of function (LOF) is a known mechanism of disease.;Absent from controls (or at extremely low frequency if recessive) in Genome Aggregation Database.

Literature cited by the submitters: PubMed 19574547 (cited by Labcorp Genetics (formerly Invitae), Labcorp).